The following is an entry in ClinVar:

ClinVar aggregate classification (germline): Benign (0 of 4 stars; one submission).

Conditions:
NUDT6-related disorder. Also called: NUDT6-related condition.

Allele frequency attached by ClinVar (database versions not stated): 1000 Genomes Project 0.00020; 1000 Genomes Project 30x 0.00031; TOPMed 0.00078; ESP Exome Variant Server 0.00154; gnomAD exomes 0.00162; gnomAD 0.00171; ExAC 0.00215.
gnomAD v4.1: 2,601 of 1,614,112 alleles (0.16%); highest among the groups gnomAD compares: Non-Finnish European, 0.14%; 8 homozygotes.

Submission:

PreventionGenetics, part of Exact Sciences
Classification: Benign for NUDT6-related condition. Last evaluated: 2024-07-27. Review status: no assertion criteria provided. Collection method: clinical testing. Allele origin: germline.
Comment: This variant is classified as benign based on ACMG/AMP sequence variant interpretation guidelines (Richards et al. 2015 PMID: 25741868, with internal and published modifications).

NM_007083.5(NUDT6):c.770C>T (p.Thr257Ile)

Genes: FGF2 (fibroblast growth factor 2; plus strand), NUDT6 (nudix hydrolase 6; minus strand). Cytogenetic location: 4q28.1.
Variant type: single nucleotide variant.
Coding change: c.770C>T on transcript NM_007083.5 (MANE Select); coding-DNA position 770, C replaced by T.
Protein change: p.Thr257Ile; replaces threonine 257 with isoleucine.
Molecular consequence: missense variant. On other transcripts: 3 prime UTR variant (2).
Genome position (GRCh38, 1-based): chr4:122,893,009, G>A on the plus strand (C>T on the coding strand, the complement: NUDT6 is on the minus strand). VCF-style: chr4-122893009-G-A. GRCh37 (hg19) VCF-style: chr4-123814164-G-A.
Other names: c.263C>T, p.Thr88Ile (NM_198041.3); c.*613G>A (NM_001361665.2, NM_002006.6); short protein forms T257I, T88I.
Identifiers: ClinVar variation 3039263 (VCV003039263.2), dbSNP rs45606640, ClinGen allele CA3069788.